The following is an entry in ClinVar:

ClinVar aggregate classification (germline): Likely benign. Review status: criteria provided, multiple submitters, no conflicts (2 of 4 stars). 3 submissions from 3 submitters: Likely benign (2). 1 of the submissions does not count toward it. Last evaluated 2025-09-02.

Conditions:
CARD14-related disorder. Also called: CARD14-related condition.
Pityriasis rubra pilaris (PRP). Also called: Pityriasis rubra pilaris--familial type. Identifiers: Orphanet 2897, MedGen C0032027, MONDO:0100017, OMIM 173200, MONDO:0008251.
Psoriasis 2. Identifiers: MedGen C1864497, MONDO:0011269, OMIM 602723.

Allele frequency attached by ClinVar (database versions not stated): ExAC 0.00003; gnomAD exomes 0.00003; ESP Exome Variant Server 0.00015; 1000 Genomes Project 30x 0.00016; 1000 Genomes Project 0.00020; gnomAD 0.00025; TOPMed 0.00025.
gnomAD v4.1: 79 of 1,613,520 alleles (0.0049%); highest among the groups gnomAD compares: African/African-American, 0.071%; no homozygotes.

Submissions (3):

Labcorp Genetics (formerly Invitae), Labcorp
Classification: Likely benign for Pityriasis rubra pilaris; Psoriasis 2. Last evaluated: 2025-09-02. Review status: criteria provided, single submitter. Criteria: Invitae Variant Classification Sherloc (09022015). Collection method: clinical testing. Allele origin: germline.

Blueprint Genetics
Classification: Likely benign. Last evaluated: 2024-07-17. Review status: criteria provided, single submitter. Criteria: ACMG Guidelines, 2015. Collection method: clinical testing. Allele origin: germline.

PreventionGenetics, part of Exact Sciences
Classification: Likely benign for CARD14-related condition. Last evaluated: 2020-01-21. Review status: no assertion criteria provided. Collection method: clinical testing. Allele origin: germline. Not counted in ClinVar's aggregate classification.
Comment: This variant is classified as likely benign based on ACMG/AMP sequence variant interpretation guidelines (Richards et al. 2015 PMID: 25741868, with internal and published modifications).

NM_001366385.1(CARD14):c.2139C>T (p.Cys713=)

Genes: CARD14 (caspase recruitment domain family member 14; plus strand), SGSH (N-sulfoglucosamine sulfohydrolase; minus strand). Cytogenetic location: 17q25.3.
Variant type: single nucleotide variant.
Coding change: c.2139C>T on transcript NM_001366385.1 (MANE Select); coding-DNA position 2139, C replaced by T.
Protein change: p.Cys713=; no amino-acid change (cysteine 713 retained).
Molecular consequence: synonymous variant. On other transcripts: non-coding transcript variant (1).
Genome position (GRCh38, 1-based): chr17:80,202,340, C>T. VCF-style: chr17-80202340-C-T. GRCh37 (hg19) VCF-style: chr17-78176139-C-T.
Other names: c.2139C>T, p.Cys713= (NM_001257970.1, NM_024110.4).
Identifiers: ClinVar variation 722970 (VCV000722970.14), dbSNP rs142449734, ClinGen allele CA8817189.
Genomic context (GRCh38, chr17:80,202,340, plus strand): 5'-GGAGCTGCAGGTGCATTGCAACGAGGTCCTGCACGTCACCGACACCATGTTCCAGGGCTG[C>T]GGCTGCTGGCATGCCCACCGCGTGAACTCTTACACCATGAAGGATACTGCCGCGCACGGC-3'
Protein context (NP_001353314.1, residues 703-723): LHVTDTMFQG[Cys713=]GCWHAHRVNS